The following is an entry in ClinVar:

ClinVar aggregate classification (germline): Pathogenic/Likely pathogenic. Review status: criteria provided, multiple submitters, no conflicts (2 of 4 stars). 2 submissions from 2 submitters: Pathogenic (1); Likely pathogenic (1). Last evaluated 2023-01-31.

Conditions:
Retinitis pigmentosa (RP). Identifiers: Orphanet 791, MedGen C0035334, MeSH D012174, MONDO:0019200, OMIM 268000. Inheritance: Autosomal dominant, autosomal recessive and X linked inheritance.

Submissions (2):

Labcorp Genetics (formerly Invitae), Labcorp
Classification: Pathogenic. Last evaluated: 2023-01-31. Review status: criteria provided, single submitter. Criteria: Invitae Variant Classification Sherloc (09022015). Collection method: clinical testing. Allele origin: germline.
Comment: This sequence change creates a premature translational stop signal (p.Cys759Profs*3) in the EYS gene. It is expected to result in an absent or disrupted protein product. Loss-of-function variants in EYS are known to be pathogenic (PMID: 18836446, 20333770). This variant is not present in population databases (gnomAD no frequency). This variant has not been reported in the literature in individuals affected with EYS-related conditions. ClinVar contains an entry for this variant (Variation ID: 1454287). For these reasons, this variant has been classified as Pathogenic.

Women's Health and Genetics/Laboratory Corporation of America, LabCorp
Classification: Likely pathogenic for Retinitis pigmentosa. Last evaluated: 2022-04-05. Review status: criteria provided, single submitter. Criteria: LabCorp Variant Classification Summary - May 2015. Collection method: clinical testing. Allele origin: germline.
Comment: Variant summary: EYS c.2275_2276delTG (p.Cys759ProfsX3) results in a premature termination codon, predicted to cause a truncation of the encoded protein or absence of the protein due to nonsense mediated decay, which are commonly known mechanisms for disease. Truncations downstream of this position have been classified as pathogenic by our laboratory. The variant was absent in 153280 control chromosomes. To our knowledge, no occurrence of c.2275_2276delTG in individuals affected with Retinitis Pigmentosa and no experimental evidence demonstrating its impact on protein function have been reported. No clinical diagnostic laboratories have submitted clinical-significance assessments for this variant to ClinVar after 2014. Based on the evidence outlined above, the variant was classified as likely pathogenic.

Literature cited by the submitters: PubMed 18836446 (cited by Labcorp Genetics (formerly Invitae), Labcorp); PubMed 20333770 (cited by Labcorp Genetics (formerly Invitae), Labcorp).

NM_001142800.2(EYS):c.2275_2276del (p.Cys759fs)

Gene: EYS (EGF-like photoreceptor maintenance factor; minus strand). Cytogenetic location: 6q12.
Variant type: Microsatellite.
Coding change: c.2275_2276del on transcript NM_001142800.2 (MANE Select); coding-DNA positions 2275 to 2276, 2 bases deleted (TG; older notation c.2275_2276delTG).
Protein change: p.Cys759fs; shifts the reading frame from cysteine 759.
Molecular consequence: frameshift variant.
Genome position (GRCh38, 1-based): chr6:64,945,898-64,945,899, CA deleted on the plus strand (TG on the coding strand, the reverse complement: EYS is on the minus strand); deleting any 2 consecutive bases within chr6:64,945,898-64,945,906 gives the same sequence; the c. name uses the placement nearest the transcript's 3' end. VCF-style (leftmost placement, unchanged base first): chr6-64945897-GCA-G. GRCh37 (hg19) VCF-style: chr6-65655790-GCA-G.
Other names: c.2275_2276del, p.Cys759fs (NM_001292009.2); short protein forms C759fs.
Identifiers: ClinVar variation 1454287 (VCV001454287.7), dbSNP rs758506938, ClinGen allele CA140384346.